The following is an entry in ClinVar:

NM_001127222.2(CACNA1A):c.3167G>A (p.Arg1056His)

Gene: CACNA1A (calcium voltage-gated channel subunit alpha1 A; minus strand). Cytogenetic location: 19p13.13.
Variant type: single nucleotide variant.
Coding change: c.3167G>A on transcript NM_001127222.2 (MANE Select); coding-DNA position 3167, G replaced by A.
Protein change: p.Arg1056His; replaces arginine 1056 with histidine.
Molecular consequence: missense variant.
Genome position (GRCh38, 1-based): chr19:13,286,889, C>T on the plus strand (G>A on the coding strand, the complement: CACNA1A is on the minus strand). VCF-style: chr19-13286889-C-T. GRCh37 (hg19) VCF-style: chr19-13397703-C-T.
Other names: c.3179G>A, p.Arg1060His (NM_000068.4, NM_023035.3); c.3170G>A, p.Arg1057His (NM_001127221.2, NM_001174080.2); short protein forms R1057H, R1060H, R1056H.
Identifiers: ClinVar variation 446915 (VCV000446915.20), dbSNP rs200850308, ClinGen allele CA9240397.

ClinVar aggregate classification (germline): Conflicting classifications of pathogenicity. Review status: criteria provided, conflicting classifications (1 of 4 stars). 4 submissions from 4 submitters: Uncertain significance (2); Benign (1); Likely benign (1). Last evaluated 2025-12-03.

Conditions:
Inborn genetic diseases. Identifiers: MedGen C0950123, MeSH D030342.
Episodic ataxia type 2 (EA2). Also called: ATAXIA, EPISODIC, WITH NYSTAGMUS; ATAXIA, FAMILIAL PAROXYSMAL; CEREBELLAR ATAXIA, PAROXYSMAL, ACETAZOLAMIDE-RESPONSIVE; CEREBELLOPATHY, HEREDITARY PAROXYSMAL; ACETAZOLAMIDE-RESPONSIVE HEREDITARY PAROXYSMAL CEREBELLAR ATAXIA; EPISODIC ATAXIA, NYSTAGMUS-ASSOCIATED. Identifiers: Orphanet 97, MedGen C1720416, MONDO:0007163, OMIM 108500.
Developmental and epileptic encephalopathy, 42 (DEE42A). Also called: Epileptic encephalopathy, early infantile, 42; DEVELOPMENTAL AND EPILEPTIC ENCEPHALOPATHY 42A; EPILEPTIC ENCEPHALOPATHY, EARLY INFANTILE, 42A. Identifiers: MedGen C4310716, MONDO:0014917, OMIM 617106.

Allele frequency attached by ClinVar (database versions not stated): gnomAD 0.00001; TOPMed 0.00005; ExAC 0.00009; ESP Exome Variant Server 0.00009.
gnomAD v4.1: 157 of 1,613,250 alleles (0.0097%); highest among the groups gnomAD compares: Admixed American, 0.018%; no homozygotes.

Submissions (4):

Labcorp Genetics (formerly Invitae), Labcorp
Classification: Likely benign for Developmental and epileptic encephalopathy, 42; Episodic ataxia type 2. Last evaluated: 2025-12-03. Review status: criteria provided, single submitter. Criteria: Invitae Variant Classification Sherloc (09022015). Collection method: clinical testing. Allele origin: germline.

Athena Diagnostics
Classification: Benign. Last evaluated: 2025-01-28. Review status: criteria provided, single submitter. Criteria: Athena Diagnostics Criteria. Collection method: clinical testing. Allele origin: unknown.
Comment: The frequency of this variant in the general population is higher than would generally be expected for pathogenic variants in this gene. Computational tools predict this amino acid change may be benign. At least one other missense variant at this codon is considered to be benign or likely benign.

GeneDx
Classification: Uncertain significance. Last evaluated: 2024-01-04. Review status: criteria provided, single submitter. Criteria: GeneDx Variant Classification Process June 2021. Collection method: clinical testing. Allele origin: germline. Affected: yes.
Comment: Observed in a patient with absence epilepsy; however, additional variants in other genes were also identified and this variant in CACNA1A was not found in the patient's affected sibling (PMID: 31780880); In silico analysis supports that this missense variant does not alter protein structure/function; This variant is associated with the following publications: (PMID: 31780880)

Ambry Genetics
Classification: Uncertain significance for Inborn genetic diseases. Last evaluated: 2017-10-27. Review status: criteria provided, single submitter. Criteria: Ambry Variant Classification Scheme 2023. Collection method: clinical testing. Allele origin: germline.
Comment: The p.R1057H variant (also known as c.3170G>A), located in coding exon 20 of the CACNA1A gene, results from a G to A substitution at nucleotide position 3170. The arginine at codon 1057 is replaced by histidine, an amino acid with highly similar properties. This amino acid position is well conserved in available vertebrate species. In addition, the in silico prediction for this alteration is inconclusive. Since supporting evidence is limited at this time, the clinical significance of this alteration remains unclear.

Literature cited by the submitters: PubMed 31780880 (cited by Athena Diagnostics).